The following is an entry in ClinVar:

NM_006939.4(SOS2):c.1123A>G (p.Ile375Val)

Gene: SOS2 (SOS Ras/Rho guanine nucleotide exchange factor 2; minus strand). Cytogenetic location: 14q21.3.
Variant type: single nucleotide variant.
Coding change: c.1123A>G on transcript NM_006939.4 (MANE Select); coding-DNA position 1123, A replaced by G.
Protein change: p.Ile375Val; replaces isoleucine 375 with valine.
Molecular consequence: missense variant.
Genome position (GRCh38, 1-based): chr14:50,161,555, T>C on the plus strand (A>G on the coding strand, the complement: SOS2 is on the minus strand). VCF-style: chr14-50161555-T-C. GRCh37 (hg19) VCF-style: chr14-50628273-T-C.
Other names: c.1024A>G, p.Ile342Val (NM_001411020.1); short protein forms I375V, I342V.
Identifiers: ClinVar variation 5030028 (VCV005030028.1).

ClinVar aggregate classification (germline): Uncertain significance (1 of 4 stars; one submission).

Conditions:
Cardiovascular phenotype. Identifiers: MedGen CN230736.

gnomAD v4.1: 2 of 1,612,454 alleles (0.00012%); highest among the groups gnomAD compares: South Asian, 0.0011%; no homozygotes.

Submission:

Ambry Genetics
Classification: Uncertain significance for Cardiovascular phenotype. Last evaluated: 2026-07-21. Review status: criteria provided, single submitter. Criteria: Ambry Variant Classification Scheme 2023. Collection method: clinical testing. Allele origin: germline.
Comment: The p.I375V variant (also known as c.1123A>G), located in coding exon 9 of the SOS2 gene, results from an A to G substitution at nucleotide position 1123. The isoleucine at codon 375 is replaced by valine, an amino acid with highly similar properties. This amino acid position is conserved. In addition, this alteration is predicted to be tolerated by in silico analysis. Based on the available evidence, the clinical significance of this variant remains unclear.